The following is an entry in ClinVar:

ClinVar aggregate classification (germline): Conflicting classifications of pathogenicity. Review status: criteria provided, conflicting classifications (1 of 4 stars). 3 submissions from 3 submitters: Uncertain significance (2); Benign (1). Last evaluated 2025-07-10.

Conditions:
Hereditary cancer-predisposing syndrome. Also called: Neoplastic Syndromes, Hereditary; Tumor predisposition; Hereditary Cancer Syndrome; Hereditary neoplastic syndrome. Identifiers: Orphanet 140162, MedGen C0027672, MeSH D009386, MONDO:0015356.
Hereditary breast ovarian cancer syndrome. Also called: Hereditary breast and ovarian cancer; Hereditary breast and ovarian cancer syndrome (HBOC); Breast and ovarian cancer; Hereditary breast and/or ovarian cancer syndrome; BRCA1- and BRCA2-Associated Hereditary Breast and Ovarian Cancer; Hereditary breast and ovarian cancer syndrome. Identifiers: Orphanet 145, MedGen C0677776, MeSH D061325, MONDO:0003582. Disease mechanism: loss of function.

Submissions (4):

Color Diagnostics, LLC DBA Color Health
Classification: Uncertain significance for Hereditary cancer-predisposing syndrome. Last evaluated: 2025-07-10. Review status: criteria provided, single submitter. Criteria: ACMG Guidelines, 2015. Collection method: clinical testing. Allele origin: germline.
Comment: This missense variant replaces proline with leucine at codon 1806 of the BRCA1 protein. Computational prediction suggests that this variant may not impact protein structure and function. Functional studies have reported that this variant does not impact BRCA1 in a haploid cell proliferation assay and a homology-mediated DNA repair assay (PMID: 30209399, 35196514). To our knowledge, this variant has not been reported in individuals affected with BRCA1-related disorders in the literature. This variant has not been identified in the general population by the Genome Aggregation Database (gnomAD). The available evidence is insufficient to determine the role of this variant in disease conclusively. Therefore, this variant is classified as a Variant of Uncertain Significance.

Labcorp Genetics (formerly Invitae), Labcorp
Classification: Uncertain significance for Hereditary breast ovarian cancer syndrome. Last evaluated: 2025-03-26. Review status: criteria provided, single submitter. Criteria: Invitae Variant Classification Sherloc (09022015). Collection method: clinical testing. Allele origin: germline.
Comment: This sequence change replaces proline, which is neutral and non-polar, with leucine, which is neutral and non-polar, at codon 1806 of the BRCA1 protein (p.Pro1806Leu). This variant is not present in population databases (gnomAD no frequency). This variant has not been reported in the literature in individuals affected with BRCA1-related conditions. ClinVar contains an entry for this variant (Variation ID: 868080). Invitae Evidence Modeling incorporating data from in vitro experimental studies (PMID: 30209399) indicates that this missense variant is not expected to disrupt BRCA1 function with a negative predictive value of 95%. Experimental studies have shown that this missense change does not substantially affect BRCA1 function (PMID: 30209399). In summary, the available evidence is currently insufficient to determine the role of this variant in disease. Therefore, it has been classified as a Variant of Uncertain Significance.

Ambry Genetics
Classification: Benign for Hereditary cancer-predisposing syndrome. Last evaluated: 2025-02-12. Review status: criteria provided, single submitter. Criteria: Ambry Variant Classification Scheme 2023. Collection method: clinical testing. Allele origin: germline.

Brotman Baty Institute, University of Washington
No classification provided (evidence only). Condition: Breast-ovarian cancer, familial 1. Review status: no classification provided. Collection method: in vitro. Allele origin: not applicable. Functional consequence: functionally_normal. Not counted in ClinVar's aggregate classification.
ClinVar note: "not provided" was previously submitted as the classification for the variant. However, the classification appeared to be based only on an observation of functional data so it was converted to no classification on 2025-07-30.

Literature cited by the submitters: PubMed 30209399 (cited by 3 submitters); PubMed 35196514 (cited by Color Diagnostics, LLC DBA Color Health and Ambry Genetics).

NM_007294.4(BRCA1):c.5417C>T (p.Pro1806Leu)

Gene: BRCA1 (BRCA1 DNA repair associated; minus strand). Cytogenetic location: 17q21.31.
Variant type: single nucleotide variant.
Coding change: c.5417C>T on transcript NM_007294.4 (MANE Select); coding-DNA position 5417, C replaced by T.
Protein change: p.Pro1806Leu; replaces proline 1806 with leucine.
Molecular consequence: missense variant. On other transcripts: synonymous variant (17).
Genome position (GRCh38, 1-based): chr17:43,047,693, G>A on the plus strand (C>T on the coding strand, the complement: BRCA1 is on the minus strand). VCF-style: chr17-43047693-G-A. GRCh37 (hg19) VCF-style: chr17-41199710-G-A.
Other names: c.5480C>T, p.Pro1827Leu (NM_001407587.1, NM_007300.4, NM_001407583.1 and 1 more transcripts); c.5477C>T, p.Pro1826Leu (NM_001407590.1, NM_001407591.1); c.5414C>T, p.Pro1805Leu (NM_001407612.1, NM_001407613.1, NM_001407614.1 and 14 more transcripts); c.5411C>T, p.Pro1804Leu (NM_001407627.1, NM_001407628.1, NM_001407629.1 and 13 more transcripts); c.5408C>T, p.Pro1803Leu (NM_001407644.1, NM_001407645.1); c.5405C>T, p.Pro1802Leu (NM_001407646.1); c.5402C>T, p.Pro1801Leu (NM_001407647.1); c.5360C>T, p.Pro1787Leu (NM_001407648.1); and 83 more; short protein forms P1759L, P1806L, P702L, P1827L, P1510L, P1652L, P1677L, P1722L.
Identifiers: ClinVar variation 868080 (VCV000868080.14), dbSNP rs2050992362, ClinGen allele CA10590621.